The following is an entry in ClinVar:

ClinVar aggregate classification (germline): Uncertain significance. Review status: criteria provided, multiple submitters, no conflicts (2 of 4 stars). 2 submissions from 2 submitters: Uncertain significance (2). Last evaluated 2025-05-17.

Conditions:
Hereditary cancer-predisposing syndrome. Also called: Tumor predisposition; Neoplastic Syndromes, Hereditary; Hereditary Cancer Syndrome; Hereditary neoplastic syndrome. Identifiers: Orphanet 140162, MedGen C0027672, MeSH D009386, MONDO:0015356.
Familial adenomatous polyposis 1 (FAP1). Also called: POLYPOSIS, ADENOMATOUS INTESTINAL; FAMILIAL ADENOMATOUS POLYPOSIS 1, ATTENUATED. Identifiers: MedGen C2713442, MONDO:0021056, OMIM 175100. Disease mechanism: loss of function.

Submissions (2):

Ambry Genetics
Classification: Uncertain significance for Hereditary cancer-predisposing syndrome. Last evaluated: 2025-05-17. Review status: criteria provided, single submitter. Criteria: Ambry Variant Classification Scheme 2023. Collection method: clinical testing. Allele origin: germline.
Comment: The p.G636D variant (also known as c.1907G>A), located in coding exon 14 of the APC gene, results from a G to A substitution at nucleotide position 1907. The glycine at codon 636 is replaced by aspartic acid, an amino acid with similar properties. This amino acid position is conserved. In addition, in silico predictors for this gene do not accurately predict pathogenicity. Based on the available evidence, the clinical significance of this variant remains unclear.

Labcorp Genetics (formerly Invitae), Labcorp
Classification: Uncertain significance for Familial adenomatous polyposis 1. Last evaluated: 2021-09-21. Review status: criteria provided, single submitter. Criteria: Invitae Variant Classification Sherloc (09022015). Collection method: clinical testing. Allele origin: germline.
Comment: This sequence change replaces glycine with aspartic acid at codon 636 of the APC protein (p.Gly636Asp). The glycine residue is highly conserved and there is a moderate physicochemical difference between glycine and aspartic acid. This variant is not present in population databases (ExAC no frequency). This variant has not been reported in the literature in individuals affected with APC-related conditions. Algorithms developed to predict the effect of missense changes on protein structure and function are either unavailable or do not agree on the potential impact of this missense change (SIFT: "Deleterious"; PolyPhen-2: "Probably Damaging"; Align-GVGD: "Class C0"). In summary, the available evidence is currently insufficient to determine the role of this variant in disease. Therefore, it has been classified as a Variant of Uncertain Significance.

NM_000038.6(APC):c.1907G>A (p.Gly636Asp)

Gene: APC (APC regulator of Wnt signaling pathway; plus strand). Cytogenetic location: 5q22.2.
Variant type: single nucleotide variant.
Coding change: c.1907G>A on transcript NM_000038.6 (MANE Select); coding-DNA position 1907, G replaced by A.
Protein change: p.Gly636Asp; replaces glycine 636 with aspartic acid.
Molecular consequence: missense variant.
Genome position (GRCh38, 1-based): chr5:112,835,114, G>A. VCF-style: chr5-112835114-G-A. GRCh37 (hg19) VCF-style: chr5-112170811-G-A.
Other names: c.1907G>A (NM_000038.5); c.1907G>A, p.Gly636Asp (NM_001127510.3, NM_001354895.2); c.1853G>A, p.Gly618Asp (NM_001127511.3); c.1961G>A, p.Gly654Asp (NM_001354896.2); c.1937G>A, p.Gly646Asp (NM_001354897.2); c.1832G>A, p.Gly611Asp (NM_001354898.2); c.1823G>A, p.Gly608Asp (NM_001354899.2); c.1784G>A, p.Gly595Asp (NM_001354900.2); and 6 more; short protein forms G577D, G636D, G654D, G353D, G611D, G618D, G476D, G646D.
Identifiers: ClinVar variation 1380689 (VCV001380689.7), dbSNP rs2149843668, ClinGen allele CA16025488.